The following is an entry in ClinVar:

ClinVar aggregate classification (germline): Uncertain significance (1 of 4 stars; one submission).

Conditions:
Baller-Gerold syndrome (BGS). Also called: CRANIOSYNOSTOSIS WITH RADIAL DEFECTS. Identifiers: Orphanet 1225, MedGen C0265308, MONDO:0009039, OMIM 218600.

Submission:

Labcorp Genetics (formerly Invitae), Labcorp
Classification: Uncertain significance for Baller-Gerold syndrome. Last evaluated: 2019-06-03. Review status: criteria provided, single submitter. Criteria: Invitae Variant Classification Sherloc (09022015). Collection method: clinical testing. Allele origin: germline.
Comment: This variant is not present in population databases (ExAC no frequency). This sequence change replaces glutamine with proline at codon 1123 of the RECQL4 protein (p.Gln1123Pro). The glutamine residue is moderately conserved and there is a moderate physicochemical difference between glutamine and proline. This variant has not been reported in the literature in individuals with RECQL4-related conditions. In summary, the available evidence is currently insufficient to determine the role of this variant in disease. Therefore, it has been classified as a Variant of Uncertain Significance. Algorithms developed to predict the effect of missense changes on protein structure and function are either unavailable or do not agree on the potential impact of this missense change (SIFT: "Tolerated"; PolyPhen-2: "not available"; Align-GVGD: "Class C0").

NM_004260.4(RECQL4):c.3368A>C (p.Gln1123Pro)

Gene: RECQL4 (RecQ like helicase 4; minus strand). Cytogenetic location: 8q24.3.
Variant type: single nucleotide variant.
Coding change: c.3368A>C on transcript NM_004260.4 (MANE Select); coding-DNA position 3368, A replaced by C.
Protein change: p.Gln1123Pro; replaces glutamine 1123 with proline.
Molecular consequence: missense variant.
Genome position (GRCh38, 1-based): chr8:144,511,936, T>G on the plus strand (A>C on the coding strand, the complement: RECQL4 is on the minus strand). VCF-style: chr8-144511936-T-G. GRCh37 (hg19) VCF-style: chr8-145737319-T-G.
Other names: short protein forms Q1123P.
Identifiers: ClinVar variation 952862 (VCV000952862.5), dbSNP rs1827291422, ClinGen allele CA372668150.